The following is an entry in ClinVar:

ClinVar aggregate classification (germline): Benign. Review status: criteria provided, multiple submitters, no conflicts (2 of 4 stars). 3 submissions from 3 submitters: Benign (2). 1 of the submissions does not count toward it. Last evaluated 2014-05-27.

Conditions:
MTFMT-related disorder. Also called: MTFMT-related condition.

Allele frequency attached by ClinVar (database versions not stated): gnomAD exomes 0.00102 and 0.00116; ExAC 0.00173; gnomAD 0.01289 and 0.01366; TOPMed 0.01496; 1000 Genomes Project 0.01737; 1000 Genomes Project 30x 0.01952.
gnomAD v4.1: 3,459 of 1,377,752 alleles (0.25%); highest among the groups gnomAD compares: African/African-American, 4.6%; 80 homozygotes.

Submissions (3):

GeneDx
Classification: Benign. Last evaluated: 2014-05-27. Review status: criteria provided, single submitter. Criteria: GeneDx Variant Classification (06012015). Collection method: clinical testing. Allele origin: germline. Affected: yes.
Comment: This variant is considered likely benign or benign based on one or more of the following criteria: it is a conservative change, it occurs at a poorly conserved position in the protein, it is predicted to be benign by multiple in silico algorithms, and/or has population frequency not consistent with disease.

Breakthrough Genomics
Classification: Benign. Review status: criteria provided, single submitter. Criteria: ACMG Guidelines, 2015. Collection method: not provided. Allele origin: germline. Inheritance: Autosomal recessive inheritance. Affected: yes.

PreventionGenetics, part of Exact Sciences
Classification: Benign for MTFMT-related condition. Last evaluated: 2024-04-03. Review status: no assertion criteria provided. Collection method: clinical testing. Allele origin: germline. Not counted in ClinVar's aggregate classification.
Comment: This variant is classified as benign based on ACMG/AMP sequence variant interpretation guidelines (Richards et al. 2015 PMID: 25741868, with internal and published modifications).

NM_139242.4(MTFMT):c.-12G>C

Genes: MTFMT (mitochondrial methionyl-tRNA formyltransferase; minus strand), LOC130057309 (ATAC-STARR-seq lymphoblastoid silent region 6550; plus strand). Cytogenetic location: 15q22.31.
Variant type: single nucleotide variant.
Coding change: c.-12G>C on transcript NM_139242.4 (MANE Select); 12 bases upstream of the start codon, G replaced by C.
Molecular consequence: 5 prime UTR variant.
Genome position (GRCh38, 1-based): chr15:65,029,625, C>G on the plus strand (G>C on the coding strand, the complement: MTFMT is on the minus strand). VCF-style: chr15-65029625-C-G. GRCh37 (hg19) VCF-style: chr15-65321963-C-G.
Identifiers: ClinVar variation 138268 (VCV000138268.3), dbSNP rs530363348, ClinGen allele CA292178.
Genomic context (GRCh38, chr15:65,029,625, plus strand): 5'-CGCCATGAGCCAGCGGAGGACCCCAACAGCGCCGCACCAACACCCTCATCGCCTCGGCCG[C>G]CGGCGGCCGGCCCTGCGCAGGCGCATCGGGGCGGGGACAAGGGTGCAGCCTGGGGAGGGC-3'